The following is an entry in ClinVar:

ClinVar aggregate classification (germline): Likely benign. Review status: criteria provided, multiple submitters, no conflicts (2 of 4 stars). 2 submissions from 2 submitters: Likely benign (2). Last evaluated 2025-12-16.

Conditions:
Pyruvate carboxylase deficiency. Also called: Pyruvate Carboxylase Deficiency Disease; ATAXIA WITH LACTIC ACIDOSIS II; LEIGH NECROTIZING ENCEPHALOPATHY DUE TO PYRUVATE CARBOXYLASE DEFICIENCY; LEIGH SYNDROME DUE TO PYRUVATE CARBOXYLASE DEFICIENCY; PC DEFICIENCY. Identifiers: Orphanet 3008, MedGen C0034341, MONDO:0009949, OMIM 266150.

Allele frequency attached by ClinVar (database versions not stated): gnomAD 0.00001; gnomAD exomes 0.00001; ExAC 0.00002.
gnomAD v4.1: 22 of 1,611,610 alleles (0.0014%); highest among the groups gnomAD compares: African/African-American, 0.004%; no homozygotes.

Submissions (2):

Labcorp Genetics (formerly Invitae), Labcorp
Classification: Likely benign for Pyruvate carboxylase deficiency. Last evaluated: 2025-12-16. Review status: criteria provided, single submitter. Criteria: Invitae Variant Classification Sherloc (09022015). Collection method: clinical testing. Allele origin: germline.

CeGaT Center for Human Genetics Tuebingen
Classification: Likely benign. Last evaluated: 2022-03-01. Review status: criteria provided, single submitter. Criteria: CeGaT Center For Human Genetics Tuebingen Variant Classification Criteria Version 2. Collection method: clinical testing. Allele origin: germline. Affected: yes. Observed: 1 variant allele.
Comment: PC: BP4, BP7

NM_001040716.2(PC):c.2292C>T (p.Pro764=)

Gene: PC (pyruvate carboxylase; minus strand). Cytogenetic location: 11q13.2.
Variant type: single nucleotide variant.
Coding change: c.2292C>T on transcript NM_001040716.2 (MANE Select); coding-DNA position 2292, C replaced by T.
Protein change: p.Pro764=; no amino-acid change (proline 764 retained).
Molecular consequence: synonymous variant.
Genome position (GRCh38, 1-based): chr11:66,850,855, G>A on the plus strand (C>T on the coding strand, the complement: PC is on the minus strand). VCF-style: chr11-66850855-G-A. GRCh37 (hg19) VCF-style: chr11-66618326-G-A.
Other names: c.2292C>T, p.Pro764= (NM_000920.4, NM_022172.3).
Identifiers: ClinVar variation 1122384 (VCV001122384.32), dbSNP rs757918962, ClinGen allele CA6131100.